The following is an entry in ClinVar:

NM_001267727.2(ARSG):c.284G>A (p.Arg95Gln)

Gene: ARSG (arylsulfatase G; plus strand). Cytogenetic location: 17q24.2.
Variant type: single nucleotide variant.
Coding change: c.284G>A on transcript NM_001267727.2 (MANE Select); coding-DNA position 284, G replaced by A.
Protein change: p.Arg95Gln; replaces arginine 95 with glutamine.
Molecular consequence: missense variant.
Genome position (GRCh38, 1-based): chr17:68,343,669, G>A. VCF-style: chr17-68343669-G-A. GRCh37 (hg19) VCF-style: chr17-66339810-G-A.
Other names: c.284G>A, p.Arg95Gln (NM_001352899.2, NM_001352900.2, NM_001352901.2 and 9 more transcripts); short protein forms R95Q.
Identifiers: ClinVar variation 961348 (VCV000961348.6), dbSNP rs369315697, ClinGen allele CA8728154.

ClinVar aggregate classification (germline): Uncertain significance. Review status: criteria provided, multiple submitters, no conflicts (2 of 4 stars). 2 submissions from 2 submitters: Uncertain significance (2). Last evaluated 2023-07-21.

Allele frequency attached by ClinVar (database versions not stated): ExAC 0.00001; gnomAD exomes 0.00001 and 0.00007; gnomAD 0.00003; TOPMed 0.00004; ESP Exome Variant Server 0.00008.
gnomAD v4.1: 104 of 1,614,018 alleles (0.0064%); highest among the groups gnomAD compares: Non-Finnish European, 0.0085%; no homozygotes.

Submissions (2):

Labcorp Genetics (formerly Invitae), Labcorp
Classification: Uncertain significance. Last evaluated: 2023-07-21. Review status: criteria provided, single submitter. Criteria: Invitae Variant Classification Sherloc (09022015). Collection method: clinical testing. Allele origin: germline.
Comment: In summary, the available evidence is currently insufficient to determine the role of this variant in disease. Therefore, it has been classified as a Variant of Uncertain Significance. Advanced modeling of protein sequence and biophysical properties (such as structural, functional, and spatial information, amino acid conservation, physicochemical variation, residue mobility, and thermodynamic stability) performed at Invitae indicates that this missense variant is expected to disrupt ARSG protein function. ClinVar contains an entry for this variant (Variation ID: 961348). This variant has not been reported in the literature in individuals affected with ARSG-related conditions. This variant is present in population databases (rs369315697, gnomAD 0.002%). This sequence change replaces arginine, which is basic and polar, with glutamine, which is neutral and polar, at codon 95 of the ARSG protein (p.Arg95Gln).

Blueprint Genetics
Classification: Uncertain significance. Last evaluated: 2023-04-14. Review status: criteria provided, single submitter. Criteria: ACMG Guidelines, 2015. Collection method: clinical testing. Allele origin: germline.